The following is an entry in ClinVar:

ClinVar aggregate classification (germline): Pathogenic/Likely pathogenic. Review status: criteria provided, multiple submitters, no conflicts (2 of 4 stars). 6 submissions from 6 submitters: Pathogenic (3); Likely pathogenic (1). 2 of the submissions do not count toward it. Last evaluated 2026-01-17.

Conditions:
Inborn genetic diseases. Identifiers: MedGen C0950123, MeSH D030342.
Reduced protein C activity. Identifiers: MedGen C0398625, MeSH D020151, HP:0005543.
Thrombophilia due to protein C deficiency, autosomal dominant. Also called: PROC DEFICIENCY, AUTOSOMAL DOMINANT; PROTEIN C DEFICIENCY, AUTOSOMAL DOMINANT. Identifiers: Orphanet 745, MedGen C2674321, MONDO:0008316, OMIM 176860. Disease mechanism: loss of function.
Thrombophilia due to protein C deficiency, autosomal recessive. Also called: PROC DEFICIENCY, AUTOSOMAL RECESSIVE; PROTEIN C DEFICIENCY, AUTOSOMAL RECESSIVE. Identifiers: Orphanet 745, MedGen C2676759, MONDO:0012860, OMIM 612304.

Allele frequency attached by ClinVar (database versions not stated): gnomAD 0.00001; ExAC 0.00002; ESP Exome Variant Server 0.00008; gnomAD exomes 0.00003 and 0.00002; TOPMed 0.00003.
gnomAD v4.1: 28 of 1,613,040 alleles (0.0017%); highest among the groups gnomAD compares: Admixed American, 0.0083%; no homozygotes.

Submissions (6):

Labcorp Genetics (formerly Invitae), Labcorp
Classification: Pathogenic for Thrombophilia due to protein C deficiency, autosomal dominant. Last evaluated: 2026-01-17. Review status: criteria provided, single submitter. Criteria: Invitae Variant Classification Sherloc (09022015). Collection method: clinical testing. Allele origin: germline.
Comment: This sequence change replaces aspartic acid, which is acidic and polar, with asparagine, which is neutral and polar, at codon 401 of the PROC protein (p.Asp401Asn). This variant is present in population databases (rs142742242, gnomAD 0.009%). This missense change has been observed in individual(s) with protein C deficiency (PMID: 7865674). It has also been observed to segregate with disease in related individuals. This variant is also known as p.Asp359Asn. ClinVar contains an entry for this variant (Variation ID: 161334). Invitae Evidence Modeling of protein sequence and biophysical properties (such as structural, functional, and spatial information, amino acid conservation, physicochemical variation, residue mobility, and thermodynamic stability) indicates that this missense variant is expected to disrupt PROC protein function with a positive predictive value of 80%. For these reasons, this variant has been classified as Pathogenic.

3billion
Classification: Pathogenic for Thrombophilia due to protein C deficiency, autosomal recessive. Last evaluated: 2025-10-31. Review status: criteria provided, single submitter. Criteria: ACMG Guidelines, 2015. Collection method: clinical testing. Allele origin: germline. Affected: yes.
Comment: The variant is observed at an extremely low frequency in the gnomAD v4.1.0 dataset (total allele frequency: 0.002%). Predicted Consequence/Location: Missense variant In silico tool predictions suggest damaging effect of the variant on gene or gene product [REVEL: 0.84 (>=0.6, sensitivity 0.68 and specificity 0.92); 3Cnet: 0.98 (> 0.75, sensitivity 0.96 and precision 0.92)]. The same nucleotide change resulting in the same amino acid change has been previously reported as pathogenic/likely pathogenic with strong evidence (ClinVar ID: VCV000161334 /PMID: 7865674). The variant has been observed in at least two similarly affected unrelated individuals (PMID: 24509341 /3billion dataset). The variant has been reported to be in trans with a pathogenic variant as either compound heterozygous or homozygous in at least one similarly affected unrelated individual (PMID: 21045961). Therefore, this variant is classified as Pathogenic according to the recommendation of ACMG/AMP guideline.

Ambry Genetics
Classification: Pathogenic for Inborn genetic diseases. Last evaluated: 2024-05-06. Review status: criteria provided, single submitter. Criteria: Ambry Variant Classification Scheme 2023. Collection method: clinical testing. Allele origin: germline.
Comment: The c.1201G>A (p.D401N) alteration is located in exon 9 (coding exon 8) of the PROC gene. This alteration results from a G to A substitution at nucleotide position 1201, causing the aspartic acid (D) at amino acid position 401 to be replaced by an asparagine (N). Based on data from gnomAD, the A allele has an overall frequency of 0.003% (8/249342) total alleles studied. The highest observed frequency was 0.009% (3/34540) of Latino alleles. This variant was reported heterozygous in multiple individuals with features consistent with thrombophilia related to protein C deficiency (Zheng, 1994; Rovida, 2007; Douglas, 2010; Piccini, 2014). Additionally, this variant has been identified in the homozygous state and/or in conjunction with another PROC variant in individuals with features consistent with thrombophilia related to protein C deficiency (Douglas, 2010; Piccini, 2014). This amino acid position is highly conserved in available vertebrate species. The in silico prediction for this alteration is inconclusive. Based on the available evidence, this alteration is classified as pathogenic.

NIHR Bioresource Rare Diseases, University of Cambridge
Classification: Likely pathogenic for Reduced protein C activity. Last evaluated: 2019-02-01. Review status: criteria provided, single submitter. Criteria: ACMG Guidelines, 2015. Collection method: research. Allele origin: unknown. Affected: yes. Observed: 1 heterozygote. Study: ThromboGenomics.

CSER _CC_NCGL, University of Washington
Classification: Pathogenic for Protein C deficiency. Last evaluated: 2014-06-01. Review status: no assertion criteria provided. Collection method: research. Allele origin: germline. Inheritance: Autosomal dominant inheritance. Study: ESP 6500 variant annotation. Not counted in ClinVar's aggregate classification.
Comment: Variants classified for the Actionable exomic incidental findings in 6503 participants: challenges of variant classification manuscript

Bioscientia Institut fuer Medizinische Diagnostik GmbH, Sonic Healthcare
Classification: Pathogenic for Thrombophilia due to protein C deficiency, autosomal dominant. Review status: no assertion criteria provided. Collection method: clinical testing. Allele origin: germline. Affected: yes. Not counted in ClinVar's aggregate classification.

Literature cited by the submitters: PubMed 7865674 (cited by 3 submitters); PubMed 21045961 (cited by 3billion and Ambry Genetics); PubMed 24509341 (cited by 3billion and Ambry Genetics); PubMed 17152060 (cited by Ambry Genetics); PubMed 31680443 (cited by Ambry Genetics); PubMed 31064749 (cited by NIHR Bioresource Rare Diseases, University of Cambridge).

NM_000312.4(PROC):c.1201G>A (p.Asp401Asn)

Gene: PROC (protein C, inactivator of coagulation factors Va and VIIIa; plus strand). Cytogenetic location: 2q14.3.
Variant type: single nucleotide variant.
Coding change: c.1201G>A on transcript NM_000312.4 (MANE Select); coding-DNA position 1201, G replaced by A.
Protein change: p.Asp401Asn; replaces aspartic acid 401 with asparagine.
Molecular consequence: missense variant.
Genome position (GRCh38, 1-based): chr2:127,428,761, G>A. VCF-style: chr2-127428761-G-A. GRCh37 (hg19) VCF-style: chr2-128186337-G-A.
Other names: c.1384G>A, p.Asp462Asn (NM_001375602.1); c.1366G>A, p.Asp456Asn (NM_001375603.1); c.1264G>A, p.Asp422Asn (NM_001375604.1); c.1303G>A, p.Asp435Asn (NM_001375605.1); c.1369G>A, p.Asp457Asn (NM_001375606.1); c.1387G>A, p.Asp463Asn (NM_001375607.1); c.1144G>A, p.Asp382Asn (NM_001375608.1); c.1177G>A, p.Asp393Asn (NM_001375609.1); and 2 more; short protein forms D401N, D382N, D393N, D399N, D422N, D435N, D456N, D457N.
Identifiers: ClinVar variation 161334 (VCV000161334.11), dbSNP rs142742242, ClinGen allele CA211710.